The following is an entry in ClinVar:

ClinVar aggregate classification (germline): Uncertain significance (1 of 4 stars; one submission).

Conditions:
Primary ciliary dyskinesia. Also called: Ciliary dyskinesia. Identifiers: Orphanet 244, MedGen C0008780, MONDO:0016575, HP:0012265.

gnomAD v4.1: 1 of 1,567,252 alleles (0.000064%); no homozygotes.

Submission:

Labcorp Genetics (formerly Invitae), Labcorp
Classification: Uncertain significance for Primary ciliary dyskinesia. Last evaluated: 2022-10-31. Review status: criteria provided, single submitter. Criteria: Invitae Variant Classification Sherloc (09022015). Collection method: clinical testing. Allele origin: germline.
Comment: This sequence change replaces phenylalanine, which is neutral and non-polar, with leucine, which is neutral and non-polar, at codon 3930 of the DNAH11 protein (p.Phe3930Leu). This variant is not present in population databases (gnomAD no frequency). This variant has not been reported in the literature in individuals affected with DNAH11-related conditions. Advanced modeling of protein sequence and biophysical properties (such as structural, functional, and spatial information, amino acid conservation, physicochemical variation, residue mobility, and thermodynamic stability) performed at Invitae indicates that this missense variant is not expected to disrupt DNAH11 protein function. In summary, the available evidence is currently insufficient to determine the role of this variant in disease. Therefore, it has been classified as a Variant of Uncertain Significance.

NM_001277115.2(DNAH11):c.11790C>A (p.Phe3930Leu)

Gene: DNAH11 (dynein axonemal heavy chain 11; plus strand). Cytogenetic location: 7p15.3.
Variant type: single nucleotide variant.
Coding change: c.11790C>A on transcript NM_001277115.2 (MANE Select); coding-DNA position 11790, C replaced by A.
Protein change: p.Phe3930Leu; replaces phenylalanine 3930 with leucine.
Molecular consequence: missense variant.
Genome position (GRCh38, 1-based): chr7:21,867,958, C>A. VCF-style: chr7-21867958-C-A. GRCh37 (hg19) VCF-style: chr7-21907576-C-A.
Other names: c.11811C>A, p.Phe3937Leu (NM_003777.3); short protein forms F3937L, F3930L.
Identifiers: ClinVar variation 2140303 (VCV002140303.4), dbSNP rs2534034298, ClinGen allele CA366962468.